The following is an entry in ClinVar:

NM_001283009.2(RTEL1):c.3676G>T (p.Ala1226Ser)

Genes: RTEL1 (regulator of telomere elongation helicase 1; plus strand), RTEL1-TNFRSF6B (RTEL1-TNFRSF6B readthrough (NMD candidate); plus strand). Cytogenetic location: 20q13.33.
Variant type: single nucleotide variant.
Coding change: c.3676G>T on transcript NM_001283009.2 (MANE Select); coding-DNA position 3676, G replaced by T.
Protein change: p.Ala1226Ser; replaces alanine 1226 with serine.
Molecular consequence: missense variant. On other transcripts: non-coding transcript variant (1), intron variant (3).
Genome position (GRCh38, 1-based): chr20:63,695,504, G>T. VCF-style: chr20-63695504-G-T. GRCh37 (hg19) VCF-style: chr20-62326857-G-T.
Other names: c.2983+24G>T (NM_001283010.1); c.3724+24G>T (NM_032957.5); c.3652+24G>T (NM_016434.4); short protein forms A1226S.
Identifiers: ClinVar variation 1045157 (VCV001045157.7), dbSNP rs371373011, ClinGen allele CA409686490.

ClinVar aggregate classification (germline): Uncertain significance. Review status: criteria provided, multiple submitters, no conflicts (2 of 4 stars). 2 submissions from 2 submitters: Uncertain significance (2). Last evaluated 2021-08-31.

Conditions:
Dyskeratosis congenita, autosomal recessive 5 (DKCB5). Identifiers: MedGen C3554656, MONDO:0014076, OMIM 615190.
Pulmonary fibrosis and/or bone marrow failure, Telomere-related, 3. Also called: PULMONARY FIBROSIS AND/OR BONE MARROW FAILURE SYNDROME, TELOMERE-RELATED, 3. Identifiers: Orphanet 2032, MedGen C4225346, MONDO:0014613, OMIM 616373.

Submissions (2):

Labcorp Genetics (formerly Invitae), Labcorp
Classification: Uncertain significance for Dyskeratosis congenita, autosomal recessive 5; Pulmonary fibrosis and/or bone marrow failure, Telomere-related, 3. Last evaluated: 2021-08-31. Review status: criteria provided, single submitter. Criteria: Invitae Variant Classification Sherloc (09022015). Collection method: clinical testing. Allele origin: germline.
Comment: This sequence change replaces alanine with serine at codon 1226 of the RTEL1 protein (p.Ala1226Ser). The alanine residue is weakly conserved and there is a moderate physicochemical difference between alanine and serine. This variant is not present in population databases (ExAC no frequency). This variant has not been reported in the literature in individuals affected with RTEL1-related conditions. Algorithms developed to predict the effect of missense changes on protein structure and function are either unavailable or do not agree on the potential impact of this missense change (SIFT: "Deleterious"; PolyPhen-2: "Benign"; Align-GVGD: "Class C0"). In summary, the available evidence is currently insufficient to determine the role of this variant in disease. Therefore, it has been classified as a Variant of Uncertain Significance.

GeneDx
Classification: Uncertain significance. Last evaluated: 2021-01-27. Review status: criteria provided, single submitter. Criteria: GeneDx Variant Classification Process June 2021. Collection method: clinical testing. Allele origin: germline. Affected: yes.
Comment: Not observed in large population cohorts (Lek et al., 2016); In silico analysis supports that this missense variant does not alter protein structure/function; Has not been previously published as pathogenic or benign to our knowledge